The following is an entry in ClinVar:

NM_001363711.2(DUOX2):c.4127A>C (p.Lys1376Thr)

Gene: DUOX2 (dual oxidase 2; minus strand). Cytogenetic location: 15q21.1.
Variant type: single nucleotide variant.
Coding change: c.4127A>C on transcript NM_001363711.2 (MANE Select); coding-DNA position 4127, A replaced by C.
Protein change: p.Lys1376Thr; replaces lysine 1376 with threonine.
Molecular consequence: missense variant.
Genome position (GRCh38, 1-based): chr15:45,095,549, T>G on the plus strand (A>C on the coding strand, the complement: DUOX2 is on the minus strand). VCF-style: chr15-45095549-T-G. GRCh37 (hg19) VCF-style: chr15-45387747-T-G.
Other names: c.4127A>C, p.Lys1376Thr (NM_014080.5); short protein forms K1376T.
Identifiers: ClinVar variation 1949548 (VCV001949548.5), dbSNP rs141857016, ClinGen allele CA7537616.

ClinVar aggregate classification (germline): Uncertain significance (1 of 4 stars; one submission).

Allele frequency attached by ClinVar (database versions not stated): ExAC 0.00001; gnomAD 0.00001; gnomAD exomes 0.00001; TOPMed 0.00002; ESP Exome Variant Server 0.00015.
gnomAD v4.1: 6 of 1,614,012 alleles (0.00037%); highest among the groups gnomAD compares: African/African-American, 0.0067%; no homozygotes.

Submission:

Labcorp Genetics (formerly Invitae), Labcorp
Classification: Uncertain significance. Last evaluated: 2022-03-04. Review status: criteria provided, single submitter. Criteria: Invitae Variant Classification Sherloc (09022015). Collection method: clinical testing. Allele origin: germline.
Comment: This variant is present in population databases (rs141857016, gnomAD 0.01%). This sequence change replaces lysine, which is basic and polar, with threonine, which is neutral and polar, at codon 1376 of the DUOX2 protein (p.Lys1376Thr). This variant has not been reported in the literature in individuals affected with DUOX2-related conditions. In summary, the available evidence is currently insufficient to determine the role of this variant in disease. Therefore, it has been classified as a Variant of Uncertain Significance. Advanced modeling of protein sequence and biophysical properties (such as structural, functional, and spatial information, amino acid conservation, physicochemical variation, residue mobility, and thermodynamic stability) performed at Invitae indicates that this missense variant is not expected to disrupt DUOX2 protein function.